The following is an entry in ClinVar:

ClinVar aggregate classification (germline): Uncertain significance (1 of 4 stars; one submission).

Submission:

Labcorp Genetics (formerly Invitae), Labcorp
Classification: Uncertain significance. Last evaluated: 2022-06-10. Review status: criteria provided, single submitter. Criteria: Invitae Variant Classification Sherloc (09022015). Collection method: clinical testing. Allele origin: germline.
Comment: In summary, the available evidence is currently insufficient to determine the role of this variant in disease. Therefore, it has been classified as a Variant of Uncertain Significance. Algorithms developed to predict the effect of missense changes on protein structure and function are either unavailable or do not agree on the potential impact of this missense change (SIFT: "Not Available"; PolyPhen-2: "Possibly Damaging"; Align-GVGD: "Not Available"). This variant has not been reported in the literature in individuals affected with FAT4-related conditions. This variant is present in population databases (no rsID available, gnomAD 0.2%). This sequence change replaces serine, which is neutral and polar, with isoleucine, which is neutral and non-polar, at codon 1008 of the FAT4 protein (p.Ser1008Ile).

NM_001291303.3(FAT4):c.3022_3023delinsAT (p.Ser1008Ile)

Gene: FAT4 (FAT atypical cadherin 4; plus strand). Cytogenetic location: 4q28.1.
Variant type: Indel.
Coding change: c.3022_3023delinsAT on transcript NM_001291303.3 (MANE Select); coding-DNA positions 3022 to 3023, TC replaced by AT.
Protein change: p.Ser1008Ile; replaces serine 1008 with isoleucine.
Molecular consequence: missense variant.
Genome position (GRCh38, 1-based): chr4:125,319,433-125,319,434, TC replaced by AT. VCF-style: chr4-125319433-TC-AT. GRCh37 (hg19) VCF-style: chr4-126240588-TC-AT.
Other names: c.3022_3023delinsAT, p.Ser1008Ile (NM_001291285.3, NM_024582.6); short protein forms S1008I.
Identifiers: ClinVar variation 1923424 (VCV001923424.3), dbSNP rs2530439947, ClinGen allele CA2580071483.